The following is an entry in ClinVar:

ClinVar aggregate classification (germline): Benign. Review status: criteria provided, multiple submitters, no conflicts (2 of 4 stars). 2 submissions from 2 submitters: Benign (2). Last evaluated 2018-01-13.

Conditions:
Nystagmus 1, congenital, X-linked. Also called: NYSTAGMUS 1, INFANTILE, X-LINKED; NYSTAGMUS, CONGENITAL MOTOR, 1; NYSTAGMUS, INFANTILE IDIOPATHIC; NYSTAGMUS, INFANTILE PERIODIC ALTERNATING, X-LINKED; FRMD7-Related Infantile Nystagmus. Identifiers: MedGen C1839580, MONDO:0010693, OMIM 310700.

Allele frequency attached by ClinVar (database versions not stated): gnomAD exomes 0.16667; 1000 Genomes Project 0.26543; 1000 Genomes Project 30x 0.27242; TOPMed 0.31798; gnomAD 0.32165 and 0.32838.
gnomAD v4.1: 35,330 of 110,309 alleles (32%); highest among the groups gnomAD compares: African/African-American, 44%; 4,593 homozygotes.

Submissions (2):

Illumina Laboratory Services, Illumina
Classification: Benign for Nystagmus 1, congenital, X-linked. Last evaluated: 2018-01-13. Review status: criteria provided, single submitter. Criteria: ICSL Variant Classification Criteria 13 December 2019. Collection method: clinical testing. Allele origin: germline.
Comment: This variant was observed in the ICSL laboratory as part of a predisposition screen in an ostensibly healthy population. It had not been previously curated by ICSL or reported in the Human Gene Mutation Database (HGMD: prior to June 1st, 2018), and was therefore a candidate for classification through an automated scoring system. Utilizing variant allele frequency, disease prevalence and penetrance estimates, and inheritance mode, an automated score was calculated to assess if this variant is too frequent to cause the disease. Based on the score and internal cut-off values, a variant classified as benign is not then subjected to further curation. The score for this variant resulted in a classification of benign for this disease.

Breakthrough Genomics
Classification: Benign. Review status: criteria provided, single submitter. Criteria: ACMG Guidelines, 2015. Collection method: not provided. Allele origin: germline. Inheritance: X-linked inheritance. Affected: yes.

NM_194277.3(FRMD7):c.*665A>T

Gene: FRMD7 (FERM domain containing 7; minus strand). Cytogenetic location: Xq26.2.
Variant type: single nucleotide variant.
Coding change: c.*665A>T on transcript NM_194277.3 (MANE Select); 665 bases downstream of the stop codon, A replaced by T.
Molecular consequence: 3 prime UTR variant.
Genome position (GRCh38, 1-based): chrX:132,077,207, T>A on the plus strand (A>T on the coding strand, the complement: FRMD7 is on the minus strand). VCF-style: chrX-132077207-T-A. GRCh37 (hg19) VCF-style: chrX-131211235-T-A.
Other names: c.*665A>T (NM_001306193.2).
Identifiers: ClinVar variation 367900 (VCV000367900.6), dbSNP rs3764771, ClinGen allele CA10645931.